The following is an entry in ClinVar:

ClinVar aggregate classification (germline): Uncertain significance. Review status: criteria provided, multiple submitters, no conflicts (2 of 4 stars). 4 submissions from 4 submitters: Uncertain significance (4). Last evaluated 2025-12-10.

Conditions:
Inborn genetic diseases. Identifiers: MedGen C0950123, MeSH D030342.
DHTKD1-related disorder. Also called: DHTKD1-related condition.
2-aminoadipic 2-oxoadipic aciduria (AAKAD). Also called: Aminoadipic aciduria; ALPHA-AMINOADIPIC AND ALPHA-KETOADIPIC ACIDURIA. Identifiers: Orphanet 79154, MedGen C1859817, MONDO:0008774, OMIM 204750.

Allele frequency attached by ClinVar (database versions not stated): gnomAD exomes 0.00006; ExAC 0.00007; gnomAD 0.00033 and 0.00036; TOPMed 0.00035; ESP Exome Variant Server 0.00046.
gnomAD v4.1: 91 of 1,601,506 alleles (0.0057%); highest among the groups gnomAD compares: African/African-American, 0.1%; no homozygotes.

Submissions (4):

Labcorp Genetics (formerly Invitae), Labcorp
Classification: Uncertain significance for 2-aminoadipic 2-oxoadipic aciduria. Last evaluated: 2025-12-10. Review status: criteria provided, single submitter. Criteria: Invitae Variant Classification Sherloc (09022015). Collection method: clinical testing. Allele origin: germline.
Comment: This sequence change affects codon 773 of the DHTKD1 mRNA. It is a 'silent' change, meaning that it does not change the encoded amino acid sequence of the DHTKD1 protein. This variant also falls at the last nucleotide of exon 13, which is part of the consensus splice site for this exon. This variant is present in population databases (rs145738102, gnomAD 0.1%). This variant has not been reported in the literature in individuals affected with DHTKD1-related conditions. ClinVar contains an entry for this variant (Variation ID: 1009821). Variants that disrupt the consensus splice site are a relatively common cause of aberrant splicing (PMID: 17576681, 9536098). Algorithms developed to predict the effect of sequence changes on RNA splicing suggest that this variant may disrupt the consensus splice site. In summary, the available evidence is currently insufficient to determine the role of this variant in disease. Therefore, it has been classified as a Variant of Uncertain Significance.

PreventionGenetics, part of Exact Sciences
Classification: Uncertain significance for DHTKD1-related condition. Last evaluated: 2025-07-21. Review status: criteria provided, single submitter. Criteria: ACMG Guidelines, 2015. Collection method: clinical testing. Allele origin: germline.
Comment: The DHTKD1 c.2319G>A variant is not predicted to result in an amino acid change (p.=). This variant affects the last nucleotide of exon 13, and is predicted to impact splicing based on available splicing prediction programs (SpliceAI, Jaganathan et al. 2019. PubMed ID: 30661751). However, the use of computer prediction programs is not equivalent to functional evidence. To our knowledge, this variant has not been reported in the literature. This variant is reported in 0.098% of alleles in individuals of African descent in gnomAD. At this time, the clinical significance of this variant is uncertain due to the absence of conclusive functional and genetic evidence.

Ambry Genetics
Classification: Uncertain significance for Inborn genetic diseases. Last evaluated: 2025-01-29. Review status: criteria provided, single submitter. Criteria: Ambry Variant Classification Scheme 2023. Collection method: clinical testing. Allele origin: germline.
Comment: The c.2319G>A (p.P773P) alteration is located in exon 13 (coding exon 13) of the DHTKD1 gene. This alteration consists of a G to A substitution at nucleotide position 2319. This nucleotide substitution does not change the proline at codon 773. However, this change occurs in the last base pair of coding exon 13, which makes it likely to have some effect on normal mRNA splicing. Based on data from gnomAD, the A allele has an overall frequency of 0.01% (28/270372) total alleles studied. The highest observed frequency was 0.098% (24/24426) of African alleles. This nucleotide position is poorly conserved in available vertebrate species. In silico splice site analysis predicts that this alteration will weaken the native splice donor site. Based on insufficient or conflicting evidence, the clinical significance of this alteration remains unclear.

GeneDx
Classification: Uncertain significance. Last evaluated: 2023-07-25. Review status: criteria provided, single submitter. Criteria: GeneDx Variant Classification Process June 2021. Collection method: clinical testing. Allele origin: germline. Affected: yes.
Comment: In silico analysis supports a deleterious effect on splicing; Has not been previously published as pathogenic or benign to our knowledge

Literature cited by the submitters: PubMed 17576681 (cited by Labcorp Genetics (formerly Invitae), Labcorp); PubMed 9536098 (cited by Labcorp Genetics (formerly Invitae), Labcorp).

NM_018706.7(DHTKD1):c.2319G>A (p.Pro773=)

Gene: DHTKD1 (dehydrogenase E1 and transketolase domain containing 1; plus strand). Cytogenetic location: 10p14.
Variant type: single nucleotide variant.
Coding change: c.2319G>A on transcript NM_018706.7 (MANE Select); coding-DNA position 2319, G replaced by A.
Protein change: p.Pro773=; no amino-acid change (proline 773 retained).
Molecular consequence: synonymous variant.
Genome position (GRCh38, 1-based): chr10:12,113,064, G>A. VCF-style: chr10-12113064-G-A. GRCh37 (hg19) VCF-style: chr10-12155063-G-A.
Other names: c.2319G>A (NM_018706.6, NM_018706.5).
Identifiers: ClinVar variation 1009821 (VCV001009821.10), dbSNP rs145738102, ClinGen allele CA5408200.